The following is an entry in ClinVar:

ClinVar aggregate classification (germline): Uncertain significance (1 of 4 stars; one submission).

Conditions:
Diamond-Blackfan anemia 3 (DBA3). Also called: RPS24-Related Diamond-Blackfan Anemia. Identifiers: Orphanet 124, MedGen C1857719, MONDO:0012529, OMIM 610629.

gnomAD v4.1: 4 of 1,613,432 alleles (0.00025%); highest among the groups gnomAD compares: Non-Finnish European, 0.00025%; no homozygotes.

Submission:

Neuberg Centre For Genomic Medicine, NCGM
Classification: Uncertain significance for Diamond-Blackfan anemia 3. Review status: criteria provided, single submitter. Criteria: ACMG Guidelines, 2015. Collection method: clinical testing. Allele origin: germline. Inheritance: Autosomal dominant inheritance. Affected: yes.
Comment: The missense variant in c.155C>T(p.Pro52Leu) in RPS24 gene has not been reported previously as a pathogenic variant nor as a benign variant, to our knowledge. The p.Pro52Leu variant is reported with the allele frequency of 0.0003992% in gnomAD Exomes and is novel (not in any individuals) in 1000 Genomes. This variant has not been reported to the ClinVar database. The amino acid Pro at position 52 is changed to a Leu changing protein sequence and it might alter its composition and physico-chemical properties. The variant is predicted to be damaging by SIFT and the residue is conserved across species. The amino acid change p.Pro52Leu in RPS24 is predicted as conserved by GERP++ and PhyloP across 100 vertebrates. For these reasons, this variant has been classified as Uncertain Significance.

NM_033022.4(RPS24):c.155C>T (p.Pro52Leu)

Gene: RPS24 (ribosomal protein S24; plus strand). Cytogenetic location: 10q22.3.
Variant type: single nucleotide variant.
Coding change: c.155C>T on transcript NM_033022.4 (MANE Select); coding-DNA position 155, C replaced by T.
Protein change: p.Pro52Leu; replaces proline 52 with leucine.
Molecular consequence: missense variant.
Genome position (GRCh38, 1-based): chr10:78,035,596, C>T. VCF-style: chr10-78035596-C-T. GRCh37 (hg19) VCF-style: chr10-79795354-C-T.
Other names: c.155C>T, p.Pro52Leu (NM_001142282.2, NM_001142283.2, NM_001142284.2 and 2 more transcripts); short protein forms P52L.
Identifiers: ClinVar variation 2585257 (VCV002585257.1), dbSNP rs1434042354, ClinGen allele CA377328565.